The following is an entry in ClinVar:

ClinVar aggregate classification (germline): Uncertain significance (1 of 4 stars; one submission).

Conditions:
Hypogonadotropic hypogonadism 18 with or without anosmia (HH18). Identifiers: Orphanet 478, MedGen C3808975, MONDO:0014103, OMIM 615267.

gnomAD v4.1: 6 of 1,505,566 alleles (0.0004%); highest among the groups gnomAD compares: Non-Finnish European, 0.00053%; no homozygotes.

Submission:

Neuberg Centre For Genomic Medicine, NCGM
Classification: Uncertain significance for Hypogonadotropic hypogonadism 18 with or without anosmia. Review status: criteria provided, single submitter. Criteria: ACMG Guidelines, 2015. Collection method: clinical testing. Allele origin: germline. Affected: yes.
Comment: The observed missense variant c.8C>G(p.Pro3Arg) in the IL17RD gene has not been reported previously as a pathogenic variant nor as a benign variant, to our knowledge. This variant is reported with the allele frequency 0.001% in the gnomAD Exomes. The amino acid Pro at position 3 is changed to a Arg changing protein sequence and it might alter its composition and physico-chemical properties. Multiple lines of computational evidence (Polyphen - Damaging, SIFT - Damaging and MutationTaster - Disease causing) predict a damaging effect on protein structure and function for this variant. The residue is conserved by GERP++ and PhyloP across 100 vertebrates. For these reasons, this variant has been classified as Uncertain Significance.

NM_017563.5(IL17RD):c.8C>G (p.Pro3Arg)

Genes: IL17RD (interleukin 17 receptor D; minus strand), LOC129936924 (ATAC-STARR-seq lymphoblastoid silent region 14478; plus strand). Cytogenetic location: 3p14.3.
Variant type: single nucleotide variant.
Coding change: c.8C>G on transcript NM_017563.5 (MANE Select); coding-DNA position 8, C replaced by G.
Protein change: p.Pro3Arg; replaces proline 3 with arginine.
Molecular consequence: missense variant. On other transcripts: intron variant (1).
Genome position (GRCh38, 1-based): chr3:57,165,279, G>C on the plus strand (C>G on the coding strand, the complement: IL17RD is on the minus strand). VCF-style: chr3-57165279-G-C. GRCh37 (hg19) VCF-style: chr3-57199307-G-C.
Other names: c.-307+3953C>G (NM_001318864.2); short protein forms P3R.
Identifiers: ClinVar variation 3731393 (VCV003731393.1).